The following is an entry in ClinVar:

ClinVar aggregate classification (germline): Uncertain significance (1 of 4 stars; one submission).

Conditions:
Familial temporal lobe epilepsy 5. Identifiers: MedGen C3280730, MONDO:0013741, OMIM 614417.
Febrile seizures, familial, 11 (FEB11). Also called: CONVULSIONS, FAMILIAL FEBRILE, 11. Identifiers: MedGen C3280734, MONDO:0024566, OMIM 614418.

Submission:

New York Genome Center
Classification: Uncertain significance for Familial temporal lobe epilepsy 5; Febrile seizures, familial, 11. Last evaluated: 2021-06-21. Review status: criteria provided, single submitter. Criteria: NYGC Assertion Criteria 2020. Collection method: clinical testing. Allele origin: de novo. Observed: 1 variant allele. Study: CSER-NYCKidSeq.
Comment: The de novo deep intronic c.192+29464G>T variant identified in intron 2 (of 10) of the CPA6 gene has not been reported in affected individuals in the literature. The variant is absent from the gnomAD(v3) database suggesting it is not a common benign variant in the populations represented in that database. The Transcript inferred Pathogenicity (TraP) score for this variant is 0.207 (TraP v3.0; >92.5th percentile for non-coding variants), predicting this variant as “possibly damaging”. Functional studies to evaluate the clinical significance of this variant have not been reported. Given the lack of compelling evidence for its pathogenicity, the de novo deep intronic c.192+29464G>T variant identified in the CPA6 gene is reported as a variant of uncertain significance.

NM_020361.5(CPA6):c.192+29464G>T

Gene: CPA6 (carboxypeptidase A6; minus strand). Cytogenetic location: 8q13.2.
Variant type: single nucleotide variant.
Coding change: c.192+29464G>T on transcript NM_020361.5 (MANE Select); 29464 bases into the intron after coding-DNA position 192, G replaced by T.
Molecular consequence: intron variant.
Genome position (GRCh38, 1-based): chr8:67,594,712, C>A on the plus strand (G>T on the coding strand, the complement: CPA6 is on the minus strand). VCF-style: chr8-67594712-C-A. GRCh37 (hg19) VCF-style: chr8-68506947-C-A.
Identifiers: ClinVar variation 1679765 (VCV001679765.2), dbSNP rs2128981874, ClinGen allele CA2573143294.